The following is an entry in ClinVar:

NM_000535.7(PMS2):c.988+1G>C

Gene: PMS2 (PMS1 homolog 2, mismatch repair system component; minus strand). Cytogenetic location: 7p22.1.
Variant type: single nucleotide variant.
Coding change: c.988+1G>C on transcript NM_000535.7 (MANE Select); the canonical splice donor site of the intron after coding-DNA position 988, G replaced by C.
Molecular consequence: splice donor variant. On other transcripts: intron variant (1).
Genome position (GRCh38, 1-based): chr7:5,991,972, C>G on the plus strand (G>C on the coding strand, the complement: PMS2 is on the minus strand). VCF-style: chr7-5991972-C-G. GRCh37 (hg19) VCF-style: chr7-6031603-C-G.
Other names: c.583+1G>C (NM_001406897.1, NM_001322009.2, NM_001406894.1 and 19 more transcripts); c.679+1G>C (NM_001406882.1, NM_001406875.1, NM_001406877.1 and 6 more transcripts); c.670+1G>C (NM_001322008.2, NM_001406902.1, NM_001406883.1 and 4 more transcripts); c.217+1G>C (NM_001406911.1); c.475+1G>C (NM_001406904.1, NM_001406905.1); c.415+1G>C (NM_001322013.2, NM_001406909.1); c.55+1G>C (NM_001322012.2, NM_001322011.2); c.652+1G>C (NM_001406885.1); and 8 more.
Identifiers: ClinVar variation 1499988 (VCV001499988.12), dbSNP rs757110564, ClinGen allele CA366743052.
Genomic context (GRCh38, chr7:5,991,972, plus strand): 5'-ATTTCATTTTATTCTTTGAGGCATTAGTCACTAGTTGTACTGAAATGCCAATGGAACTTA[C>G]CTGAATCAACAGAAATGTTAAGAACAACAAATGGATACTGGTGTCGATTATACATGTGGT-3'

ClinVar aggregate classification (germline): Pathogenic/Likely pathogenic. Review status: criteria provided, multiple submitters, no conflicts (2 of 4 stars). 3 submissions from 3 submitters: Pathogenic (1); Likely pathogenic (2). Last evaluated 2025-03-24.

Conditions:
Hereditary cancer-predisposing syndrome. Also called: Tumor predisposition; Hereditary neoplastic syndrome; Neoplastic Syndromes, Hereditary; Hereditary Cancer Syndrome. Identifiers: Orphanet 140162, MedGen C0027672, MeSH D009386, MONDO:0015356.
Hereditary nonpolyposis colorectal neoplasms. Identifiers: MedGen C0009405, MeSH D003123.
Lynch syndrome 4 (LYNCH4). Also called: Hereditary non-polyposis colorectal cancer, type 4; Colorectal cancer, hereditary nonpolyposis, type 4. Identifiers: Orphanet 144, MedGen C1838333, MONDO:0013699, OMIM 614337. Disease mechanism: loss of function.

Submissions (3):

Ambry Genetics
Classification: Pathogenic for Hereditary cancer-predisposing syndrome. Last evaluated: 2025-03-24. Review status: criteria provided, single submitter. Criteria: Ambry Variant Classification Scheme 2023. Collection method: clinical testing. Allele origin: germline.
Comment: The c.988+1G>C intronic pathogenic mutation results from a G to C substitution one nucleotide after coding exon 9 of the PMS2 gene. This variant was not reported in population-based cohorts in the Genome Aggregation Database (gnomAD). In silico splice site analysis predicts that this alteration will weaken the native splice donor site. RNA studies have demonstrated that this alteration results in abnormal splicing in the set of samples tested (Ambry internal data). Alterations that disrupt the canonical splice site are expected to cause aberrant splicing, resulting in an abnormal protein or a transcript that is subject to nonsense-mediated mRNA decay. As such, this alteration is classified as a disease-causing mutation.

Myriad Genetics, Inc.
Classification: Likely pathogenic for Lynch syndrome 4. Last evaluated: 2023-09-19. Review status: criteria provided, single submitter. Criteria: Myriad Autosomal Dominant, Autosomal Recessive and X-Linked Classification Criteria (2023). Collection method: clinical testing. Allele origin: unknown.
Comment: This variant is considered likely pathogenic. This variant occurs within a consensus splice junction and is predicted to result in abnormal mRNA splicing of either an out-of-frame exon or an in-frame exon necessary for protein stability and/or normal function.

Labcorp Genetics (formerly Invitae), Labcorp
Classification: Likely pathogenic for Hereditary nonpolyposis colorectal neoplasms. Last evaluated: 2021-04-27. Review status: criteria provided, single submitter. Criteria: Invitae Variant Classification Sherloc (09022015). Collection method: clinical testing. Allele origin: germline.
Comment: This sequence change affects a donor splice site in intron 9 of the PMS2 gene. It is expected to disrupt RNA splicing. Variants that disrupt the donor or acceptor splice site typically lead to a loss of protein function (PMID: 16199547), and loss-of-function variants in PMS2 are known to be pathogenic (PMID: 21376568, 24362816). This variant has not been reported in the literature in individuals with PMS2-related conditions. Algorithms developed to predict the effect of sequence changes on RNA splicing suggest that this variant may disrupt the consensus splice site, but this prediction has not been confirmed by published transcriptional studies. This variant is not present in population databases (ExAC no frequency). In summary, the currently available evidence indicates that the variant is pathogenic, but additional data are needed to prove that conclusively. Therefore, this variant has been classified as Likely Pathogenic.

Literature cited by the submitters: PubMed 16199547 (cited by Labcorp Genetics (formerly Invitae), Labcorp); PubMed 21376568 (cited by Labcorp Genetics (formerly Invitae), Labcorp); PubMed 24362816 (cited by Labcorp Genetics (formerly Invitae), Labcorp).